The following is an entry in ClinVar:

ClinVar aggregate classification (germline): Uncertain significance (1 of 4 stars; one submission).

Submission:

Labcorp Genetics (formerly Invitae), Labcorp
Classification: Uncertain significance. Last evaluated: 2021-12-08. Review status: criteria provided, single submitter. Criteria: Invitae Variant Classification Sherloc (09022015). Collection method: clinical testing. Allele origin: germline.
Comment: This sequence change creates a premature translational stop signal (p.Ser79*) in the TIMM50 gene. It is expected to result in an absent or disrupted protein product. However, the current clinical and genetic evidence is not sufficient to establish whether loss-of-function variants in TIMM50 cause disease. This variant is not present in population databases (gnomAD no frequency). This variant has not been reported in the literature in individuals affected with TIMM50-related conditions. In summary, the available evidence is currently insufficient to determine the role of this variant in disease. Therefore, it has been classified as a Variant of Uncertain Significance.

NC_000019.10:g.39480778_39480788del

Gene: TIMM50 (translocase of inner mitochondrial membrane 50; plus strand). Cytogenetic location: 19q13.2.
Variant type: Deletion.
Genome position: GRCh38 VCF-style: chr19-39480776-GTTTCCATTGGC-G. GRCh37 (hg19) VCF-style: chr19-39971416-GTTTCCATTGGC-G.
Identifiers: ClinVar variation 1428814 (VCV001428814.6), dbSNP rs2146145733, ClinGen allele CA2573156358.